The following is an entry in ClinVar:

NM_007294.4(BRCA1):c.5514G>A (p.Val1838=)

Gene: BRCA1 (BRCA1 DNA repair associated; minus strand). Cytogenetic location: 17q21.31.
Variant type: single nucleotide variant.
Coding change: c.5514G>A on transcript NM_007294.4 (MANE Select); coding-DNA position 5514, G replaced by A.
Protein change: p.Val1838=; no amino-acid change (valine 1838 retained).
Molecular consequence: synonymous variant. On other transcripts: 3 prime UTR variant (17).
Genome position (GRCh38, 1-based): chr17:43,045,756, C>T on the plus strand (G>A on the coding strand, the complement: BRCA1 is on the minus strand). VCF-style: chr17-43045756-C-T. GRCh37 (hg19) VCF-style: chr17-41197773-C-T.
Other names: c.5385G>A, p.Val1795= (NM_001407683.1, NM_001407684.1, NM_001407685.1 and 6 more transcripts); c.5382G>A, p.Val1794= (NM_001407690.1, NM_001407691.1); c.5373G>A, p.Val1791= (NM_001407692.1, NM_001407694.1, NM_001407695.1 and 12 more transcripts); c.5370G>A, p.Val1790= (NM_001407732.1, NM_001407733.1, NM_001407734.1 and 18 more transcripts); c.5367G>A, p.Val1789= (NM_001407838.1, NM_001407839.1, NM_001407841.1 and 12 more transcripts); c.*28G>A (NM_001407854.1, NM_001407858.1, NM_001407859.1 and 14 more transcripts); c.5313G>A, p.Val1771= (NM_001407862.1); c.5310G>A, p.Val1770= (NM_001407863.1); and 74 more.
Identifiers: ClinVar variation 864954 (VCV000864954.3), dbSNP rs786201248, ClinGen allele CA500142905.

Conditions:
Breast-ovarian cancer, familial, susceptibility to, 1 (BROVCA1). Also called: BRCA1 Hereditary Breast and Ovarian Cancer; OVARIAN CANCER, SUSCEPTIBILITY TO. Identifiers: Orphanet 145, MedGen C2676676, MONDO:0011450, OMIM 604370. Disease mechanism: loss of function.

gnomAD v4.1: 1 of 1,614,136 alleles (0.000062%); highest among the groups gnomAD compares: South Asian, 0.0011%; no homozygotes.

Submission:

Brotman Baty Institute, University of Washington
No classification provided (evidence only). Condition: Breast-ovarian cancer, familial 1. Review status: no classification provided. Collection method: in vitro. Allele origin: not applicable. Functional consequence: functionally_normal.
ClinVar note: "not provided" was previously submitted as the classification for the variant. However, the classification appeared to be based only on an observation of functional data so it was converted to no classification on 2025-07-30.